The following is an entry in ClinVar:

ClinVar aggregate classification (germline): Likely benign. Review status: criteria provided, multiple submitters, no conflicts (2 of 4 stars). 2 submissions from 2 submitters: Likely benign (2). Last evaluated 2025-06-02.

Conditions:
Birt-Hogg-Dube syndrome 1 (BHD1). Also called: FIBROFOLLICULOMAS WITH TRICHODISCOMAS AND ACROCHORDONS. Identifiers: Orphanet 122, MedGen CN375946, MONDO:0800445, OMIM 135150.
Birt-Hogg-Dube syndrome. Also called: Birt Hogg Dubé syndrome. Identifiers: Orphanet 122, MedGen C0346010, MONDO:0800444.

Submissions (2):

Labcorp Genetics (formerly Invitae), Labcorp
Classification: Likely benign for Birt-Hogg-Dube syndrome. Last evaluated: 2025-06-02. Review status: criteria provided, single submitter. Criteria: Invitae Variant Classification Sherloc (09022015). Collection method: clinical testing. Allele origin: germline.

Myriad Genetics, Inc.
Classification: Likely benign for Birt-Hogg-Dube syndrome 1. Last evaluated: 2024-10-24. Review status: criteria provided, single submitter. Criteria: Myriad Autosomal Dominant, Autosomal Recessive and X-Linked Classification Criteria (2023). Collection method: clinical testing. Allele origin: unknown.
Comment: This variant is considered likely benign. This variant is intronic and is not expected to impact mRNA splicing.

NM_144997.7(FLCN):c.1063-13C>T

Gene: FLCN (folliculin; minus strand). Cytogenetic location: 17p11.2.
Variant type: single nucleotide variant.
Coding change: c.1063-13C>T on transcript NM_144997.7 (MANE Select); 13 bases into the intron before coding-DNA position 1063, C replaced by T.
Molecular consequence: intron variant.
Genome position (GRCh38, 1-based): chr17:17,217,195, G>A on the plus strand (C>T on the coding strand, the complement: FLCN is on the minus strand). VCF-style: chr17-17217195-G-A. GRCh37 (hg19) VCF-style: chr17-17120509-G-A.
Other names: c.1063-13C>T (NM_001353231.2, NM_001353230.2); c.1117-13C>T (NM_001353229.2).
Identifiers: ClinVar variation 3619357 (VCV003619357.3).